The following is an entry in ClinVar:

ClinVar aggregate classification (germline): Uncertain significance. Review status: criteria provided, multiple submitters, no conflicts (2 of 4 stars). 2 submissions from 2 submitters: Uncertain significance (2). Last evaluated 2025-07-01.

Conditions:
Inborn genetic diseases. Identifiers: MedGen C0950123, MeSH D030342.
Glucose-6-phosphate transport defect (GSD1B). Also called: GSD Ib; Glycogen Storage Disease Type Ib. Identifiers: Orphanet 364, Orphanet 79259, MedGen C0268146, MONDO:0009288, OMIM 232220.

Submissions (2):

Ambry Genetics
Classification: Uncertain significance for Inborn genetic diseases. Last evaluated: 2025-07-01. Review status: criteria provided, single submitter. Criteria: Ambry Variant Classification Scheme 2023. Collection method: clinical testing. Allele origin: germline.

Labcorp Genetics (formerly Invitae), Labcorp
Classification: Uncertain significance for Glucose-6-phosphate transport defect. Last evaluated: 2022-03-12. Review status: criteria provided, single submitter. Criteria: Invitae Variant Classification Sherloc (09022015). Collection method: clinical testing. Allele origin: germline.
Comment: This sequence change replaces isoleucine, which is neutral and non-polar, with threonine, which is neutral and polar, at codon 158 of the SLC37A4 protein (p.Ile158Thr). This variant is present in population databases (no rsID available, gnomAD no frequency). This variant has not been reported in the literature in individuals affected with SLC37A4-related conditions. Experimental studies and prediction algorithms are not available or were not evaluated, and the functional significance of this variant is currently unknown. In summary, the available evidence is currently insufficient to determine the role of this variant in disease. Therefore, it has been classified as a Variant of Uncertain Significance.

NM_001164277.2(SLC37A4):c.473T>C (p.Ile158Thr)

Gene: SLC37A4 (solute carrier family 37 member 4; minus strand). Cytogenetic location: 11q23.3.
Variant type: single nucleotide variant.
Coding change: c.473T>C on transcript NM_001164277.2 (MANE Select); coding-DNA position 473, T replaced by C.
Protein change: p.Ile158Thr; replaces isoleucine 158 with threonine.
Molecular consequence: missense variant.
Genome position (GRCh38, 1-based): chr11:119,027,781, A>G on the plus strand (T>C on the coding strand, the complement: SLC37A4 is on the minus strand). VCF-style: chr11-119027781-A-G. GRCh37 (hg19) VCF-style: chr11-118898491-A-G.
Other names: c.473T>C, p.Ile158Thr (NM_001164278.2, NM_001164280.2, NM_001467.6); c.254T>C, p.Ile85Thr (NM_001164279.2); short protein forms I85T, I158T.
Identifiers: ClinVar variation 1965317 (VCV001965317.3), dbSNP rs1251681222, ClinGen allele CA382903150.